The following is an entry in ClinVar:

NM_004415.4(DSP):c.3508G>C (p.Glu1170Gln)

Gene: DSP (desmoplakin; plus strand). Cytogenetic location: 6p24.3.
Variant type: single nucleotide variant.
Coding change: c.3508G>C on transcript NM_004415.4 (MANE Select); coding-DNA position 3508, G replaced by C.
Protein change: p.Glu1170Gln; replaces glutamic acid 1170 with glutamine.
Molecular consequence: missense variant.
Genome position (GRCh38, 1-based): chr6:7,579,698, G>C. VCF-style: chr6-7579698-G-C. GRCh37 (hg19) VCF-style: chr6-7579931-G-C.
Other names: c.3508G>C, p.Glu1170Gln (NM_001008844.3, NM_001319034.2); short protein forms E1170Q.
Identifiers: ClinVar variation 2928601 (VCV002928601.5), dbSNP rs139582608, ClinGen allele CA362684223.

ClinVar aggregate classification (germline): Uncertain significance. Review status: criteria provided, multiple submitters, no conflicts (2 of 4 stars). 3 submissions from 3 submitters: Uncertain significance (3). Last evaluated 2025-06-28.

Conditions:
Arrhythmogenic cardiomyopathy with wooly hair and keratoderma. Also called: Arrhythmogenic cardiomyopathy with woolly hair and keratoderma; Dilated cardiomyopathy with woolly hair and keratoderma; PALMOPLANTAR KERATODERMA WITH LEFT VENTRICULAR CARDIOMYOPATHY AND WOOLLY HAIR; Carvajal syndrome. Identifiers: Orphanet 65282, MedGen C1854063, MONDO:0011581, OMIM 605676.
Arrhythmogenic right ventricular dysplasia 8 (ARVD8). Also called: Arrhythmogenic Right Ventricular Dysplasia/Cardiomyopathy 8; ARRHYTHMOGENIC RIGHT VENTRICULAR DYSPLASIA, FAMILIAL, 8; ARRHYTHMOGENIC RIGHT VENTRICULAR CARDIOMYOPATHY 8. Identifiers: MedGen C1843896, MONDO:0011831, OMIM 607450.
Cardiovascular phenotype. Identifiers: MedGen CN230736.

Submissions (3):

Ambry Genetics
Classification: Uncertain significance for Cardiovascular phenotype. Last evaluated: 2025-06-28. Review status: criteria provided, single submitter. Criteria: Ambry Variant Classification Scheme 2023. Collection method: clinical testing. Allele origin: germline.
Comment: The p.E1170Q variant (also known as c.3508G>C), located in coding exon 23 of the DSP gene, results from a G to C substitution at nucleotide position 3508. The glutamic acid at codon 1170 is replaced by glutamine, an amino acid with highly similar properties. This amino acid position is conserved. In addition, the in silico prediction for this alteration is inconclusive. Based on the available evidence, the clinical significance of this variant remains unclear.

Labcorp Genetics (formerly Invitae), Labcorp
Classification: Uncertain significance for Arrhythmogenic cardiomyopathy with wooly hair and keratoderma; Arrhythmogenic right ventricular dysplasia 8. Last evaluated: 2025-03-19. Review status: criteria provided, single submitter. Criteria: Invitae Variant Classification Sherloc (09022015). Collection method: clinical testing. Allele origin: germline.
Comment: This sequence change replaces glutamic acid, which is acidic and polar, with glutamine, which is neutral and polar, at codon 1170 of the DSP protein (p.Glu1170Gln). This variant is not present in population databases (gnomAD no frequency). This variant has not been reported in the literature in individuals affected with DSP-related conditions. ClinVar contains an entry for this variant (Variation ID: 2928601). An algorithm developed to predict the effect of missense changes on protein structure and function (PolyPhen-2) suggests that this variant is likely to be disruptive. In summary, the available evidence is currently insufficient to determine the role of this variant in disease. Therefore, it has been classified as a Variant of Uncertain Significance.

All of Us Research Program, National Institutes of Health
Classification: Uncertain significance for Arrhythmogenic cardiomyopathy with wooly hair and keratoderma. Last evaluated: 2023-11-30. Review status: criteria provided, single submitter. Criteria: ACMG Guidelines, 2015. Collection method: clinical testing. Allele origin: germline. Inheritance: Autosomal dominant inheritance. Observed: 3 variant alleles, 3 heterozygotes.
Comment: This study involves interpretation of variants in research participants for the purpose of population health screening. Participant phenotype was not available at the time of variant classification. Additional details can be found in publication PMID: 35346344, PMCID: PMC8962531